The following is an entry in ClinVar:

ClinVar aggregate classification (germline): Uncertain significance. Review status: criteria provided, multiple submitters, no conflicts (2 of 4 stars). 3 submissions from 3 submitters: Uncertain significance (3). Last evaluated 2025-11-28.

Conditions:
Hereditary cancer-predisposing syndrome. Also called: Hereditary Cancer Syndrome; Neoplastic Syndromes, Hereditary; Hereditary neoplastic syndrome; Tumor predisposition. Identifiers: Orphanet 140162, MedGen C0027672, MeSH D009386, MONDO:0015356.
Mitochondrial complex II deficiency, nuclear type 1. Also called: SUCCINATE CoQ REDUCTASE DEFICIENCY. Identifiers: Orphanet 3208, MedGen C5700310, MONDO:0100294, OMIM 252011.
Pheochromocytoma/paraganglioma syndrome 5. Also called: Paragangliomas 5; SDHA-Related Hereditary Paraganglioma-Pheochromocytoma Syndrome. Identifiers: Orphanet 29072, MedGen C3279992, MONDO:0013602, OMIM 614165.

Submissions (3):

Labcorp Genetics (formerly Invitae), Labcorp
Classification: Uncertain significance for Pheochromocytoma/paraganglioma syndrome 5; Mitochondrial complex II deficiency, nuclear type 1. Last evaluated: 2025-11-28. Review status: criteria provided, single submitter. Criteria: Invitae Variant Classification Sherloc (09022015). Collection method: clinical testing. Allele origin: germline.
Comment: This sequence change replaces aspartic acid, which is acidic and polar, with histidine, which is basic and polar, at codon 49 of the SDHA protein (p.Asp49His). This variant is not present in population databases (gnomAD no frequency). This variant has not been reported in the literature in individuals affected with SDHA-related conditions. ClinVar contains an entry for this variant (Variation ID: 841052). Invitae Evidence Modeling of protein sequence and biophysical properties (such as structural, functional, and spatial information, amino acid conservation, physicochemical variation, residue mobility, and thermodynamic stability) indicates that this missense variant is not expected to disrupt SDHA protein function with a negative predictive value of 95%. In summary, the available evidence is currently insufficient to determine the role of this variant in disease. Therefore, it has been classified as a Variant of Uncertain Significance.

Ambry Genetics
Classification: Uncertain significance for Hereditary cancer-predisposing syndrome. Last evaluated: 2025-02-13. Review status: criteria provided, single submitter. Criteria: Ambry Variant Classification Scheme 2023. Collection method: clinical testing. Allele origin: germline.
Comment: The p.D49H variant (also known as c.145G>C), located in coding exon 2 of the SDHA gene, results from a G to C substitution at nucleotide position 145. The aspartic acid at codon 49 is replaced by histidine, an amino acid with similar properties. This amino acid position is well conserved in available vertebrate species. In addition, this alteration is predicted to be tolerated by in silico analysis. Based on the available evidence, the clinical significance of this variant remains unclear.

GeneDx
Classification: Uncertain significance. Last evaluated: 2022-12-16. Review status: criteria provided, single submitter. Criteria: GeneDx Variant Classification Process June 2021. Collection method: clinical testing. Allele origin: germline. Affected: yes.
Comment: Not observed at significant frequency in large population cohorts (gnomAD); In silico analysis supports that this missense variant does not alter protein structure/function; Has not been previously published as pathogenic or benign to our knowledge

NM_004168.4(SDHA):c.145G>C (p.Asp49His)

Gene: SDHA (succinate dehydrogenase complex flavoprotein subunit A; plus strand). Cytogenetic location: 5p15.33.
Variant type: single nucleotide variant.
Coding change: c.145G>C on transcript NM_004168.4 (MANE Select); coding-DNA position 145, G replaced by C.
Protein change: p.Asp49His; replaces aspartic acid 49 with histidine.
Molecular consequence: missense variant.
Genome position (GRCh38, 1-based): chr5:223,563, G>C. VCF-style: chr5-223563-G-C. GRCh37 (hg19) VCF-style: chr5-223678-G-C.
Other names: c.145G>C, p.Asp49His (NM_001294332.2, NM_001330758.2); c.145G>C (NM_004168.2); short protein forms D49H.
Identifiers: ClinVar variation 841052 (VCV000841052.18), dbSNP rs1734836072, ClinGen allele CA359008311.
Genomic context (GRCh38, chr5:223,563, plus strand): 5'-GGAACCCGAGGTTTTCACTTCACTGTTGATGGGAACAAGAGGGCATCTGCTAAAGTTTCA[G>C]ATTCCGTAAGTTCATGCTTTTTGTTCCATTATAAATGATTTTTTTGGCTTAGGGGGTAAG-3'
Protein context (NP_004159.2, residues 39-59): GNKRASAKVS[Asp49His]SISAQYPVVD